The following is an entry in ClinVar:

NM_002474.3(MYH11):c.997A>C (p.Met333Leu)

Gene: MYH11 (myosin heavy chain 11; minus strand). Cytogenetic location: 16p13.11.
Variant type: single nucleotide variant.
Coding change: c.997A>C on transcript NM_002474.3 (MANE Select); coding-DNA position 997, A replaced by C.
Protein change: p.Met333Leu; replaces methionine 333 with leucine.
Molecular consequence: missense variant.
Genome position (GRCh38, 1-based): chr16:15,771,605, T>G on the plus strand (A>C on the coding strand, the complement: MYH11 is on the minus strand). VCF-style: chr16-15771605-T-G. GRCh37 (hg19) VCF-style: chr16-15865462-T-G.
Other names: c.1018A>C, p.Met340Leu (NM_001040113.2, NM_001040114.2); c.997A>C, p.Met333Leu (NM_022844.3); short protein forms M333L, M340L.
Identifiers: ClinVar variation 3069696 (VCV003069696.1), dbSNP rs754644880, ClinGen allele CA394867670.

ClinVar aggregate classification (germline): Uncertain significance (1 of 4 stars; one submission).

Conditions:
Familial thoracic aortic aneurysm and aortic dissection (TAAD). Also called: Thoracic aortic aneurysms and dissections. Identifiers: Orphanet 91387, MedGen C4707243, MONDO:0019625.

Submission:

All of Us Research Program, National Institutes of Health
Classification: Uncertain significance for Familial thoracic aortic aneurysm and aortic dissection. Last evaluated: 2023-02-24. Review status: criteria provided, single submitter. Criteria: ACMG Guidelines, 2015. Collection method: clinical testing. Allele origin: germline. Inheritance: Autosomal dominant inheritance. Observed: 1 variant allele, 1 heterozygote.
Comment: This missense variant replaces methionine with leucine at codon 340 of the MYH11 protein. Computational prediction suggests that this variant may not impact protein structure and function (internally defined REVEL score threshold <= 0.5, PMID: 27666373). To our knowledge, functional studies have not been reported for this variant. This variant has not been reported in individuals affected with MYH11-related disorders in the literature. This variant has not been identified in the general population by the Genome Aggregation Database (gnomAD). The available evidence is insufficient to determine the role of this variant in disease conclusively. Therefore, this variant is classified as a Variant of Uncertain Significance.

This study involves interpretation of variants in research participants for the purpose of population health screening. Participant phenotype was not available at the time of variant classification. Additional details can be found in publication PMID: 35346344, PMCID: PMC8962531